The following is an entry in ClinVar:

ClinVar aggregate classification (germline): Uncertain significance (1 of 4 stars; one submission).

Conditions:
Developmental and epileptic encephalopathy, 53. Also called: Epileptic encephalopathy, early infantile, 53. Identifiers: MedGen C4479313, MONDO:0033362, OMIM 617389.
Early-onset Parkinson disease 20. Also called: PARKINSON DISEASE 20, AUTOSOMAL RECESSIVE EARLY-ONSET. Identifiers: Orphanet 391411, MedGen C3809824, MONDO:0014233, OMIM 615530.

Submission:

Labcorp Genetics (formerly Invitae), Labcorp
Classification: Uncertain significance for Developmental and epileptic encephalopathy, 53; Early-onset Parkinson disease 20. Last evaluated: 2024-05-23. Review status: criteria provided, single submitter. Criteria: Invitae Variant Classification Sherloc (09022015). Collection method: clinical testing. Allele origin: germline.
Comment: This sequence change replaces arginine, which is basic and polar, with proline, which is neutral and non-polar, at codon 309 of the SYNJ1 protein (p.Arg309Pro). This variant is not present in population databases (gnomAD no frequency). This variant has not been reported in the literature in individuals affected with SYNJ1-related conditions. Advanced modeling of protein sequence and biophysical properties (such as structural, functional, and spatial information, amino acid conservation, physicochemical variation, residue mobility, and thermodynamic stability) performed at Invitae indicates that this missense variant is expected to disrupt SYNJ1 protein function with a positive predictive value of 80%. In summary, the available evidence is currently insufficient to determine the role of this variant in disease. Therefore, it has been classified as a Variant of Uncertain Significance.

NM_203446.3(SYNJ1):c.809G>C (p.Arg270Pro)

Gene: SYNJ1 (synaptojanin 1; minus strand). Cytogenetic location: 21q22.11.
Variant type: single nucleotide variant.
Coding change: c.809G>C on transcript NM_203446.3 (MANE Select); coding-DNA position 809, G replaced by C.
Protein change: p.Arg270Pro; replaces arginine 270 with proline.
Molecular consequence: missense variant.
Genome position (GRCh38, 1-based): chr21:32,688,348, C>G on the plus strand (G>C on the coding strand, the complement: SYNJ1 is on the minus strand). VCF-style: chr21-32688348-C-G. GRCh37 (hg19) VCF-style: chr21-34060658-C-G.
Other names: c.809G>C, p.Arg270Pro (NM_001160302.2, NM_001160306.2); c.926G>C, p.Arg309Pro (NM_003895.4); short protein forms R270P, R309P.
Identifiers: ClinVar variation 3756522 (VCV003756522.2).